The following is an entry in ClinVar:

NM_177438.3(DICER1):c.3637C>A (p.Pro1213Thr)

Gene: DICER1 (dicer 1, ribonuclease III; minus strand). Cytogenetic location: 14q32.13.
Variant type: single nucleotide variant.
Coding change: c.3637C>A on transcript NM_177438.3 (MANE Select); coding-DNA position 3637, C replaced by A.
Protein change: p.Pro1213Thr; replaces proline 1213 with threonine.
Molecular consequence: missense variant. On other transcripts: non-coding transcript variant (6).
Genome position (GRCh38, 1-based): chr14:95,103,759, G>T on the plus strand (C>A on the coding strand, the complement: DICER1 is on the minus strand). VCF-style: chr14-95103759-G-T. GRCh37 (hg19) VCF-style: chr14-95570096-G-T.
Other names: c.3637C>A, p.Pro1213Thr (NM_001195573.1, NM_001271282.3, NM_001291628.2 and 13 more transcripts); c.3355C>A, p.Pro1119Thr (NM_001395686.1); c.3232C>A, p.Pro1078Thr (NM_001395687.1, NM_001395688.1, NM_001395689.1 and 2 more transcripts); c.3070C>A, p.Pro1024Thr (NM_001395691.1); c.1954C>A, p.Pro652Thr (NM_001395697.1); short protein forms P1078T, P1119T, P1024T, P1213T, P652T.
Identifiers: ClinVar variation 2451728 (VCV002451728.2), dbSNP rs965289045, ClinGen allele CA390874579.

ClinVar aggregate classification (germline): Uncertain significance (1 of 4 stars; one submission).

Conditions:
Hereditary cancer-predisposing syndrome. Also called: Neoplastic Syndromes, Hereditary; Tumor predisposition; Hereditary neoplastic syndrome; Hereditary Cancer Syndrome. Identifiers: Orphanet 140162, MedGen C0027672, MeSH D009386, MONDO:0015356.

Submission:

Ambry Genetics
Classification: Uncertain significance for Hereditary cancer-predisposing syndrome. Last evaluated: 2023-02-09. Review status: criteria provided, single submitter. Criteria: Ambry Variant Classification Scheme 2023. Collection method: clinical testing. Allele origin: germline.
Comment: The p.P1213T variant (also known as c.3637C>A), located in coding exon 20 of the DICER1 gene, results from a C to A substitution at nucleotide position 3637. The proline at codon 1213 is replaced by threonine, an amino acid with highly similar properties. This amino acid position is conserved. In addition, the in silico prediction for this alteration is inconclusive. Since supporting evidence is limited at this time, the clinical significance of this alteration remains unclear.